The following is an entry in ClinVar:

ClinVar aggregate classification (germline): Uncertain significance (1 of 4 stars; one submission).

Conditions:
Tuberous sclerosis 2 (TSC2). Identifiers: Orphanet 805, MedGen C1860707, MONDO:0013199, OMIM 613254.

Submission:

Labcorp Genetics (formerly Invitae), Labcorp
Classification: Uncertain significance for Tuberous sclerosis 2. Last evaluated: 2024-02-18. Review status: criteria provided, single submitter. Criteria: Invitae Variant Classification Sherloc (09022015). Collection method: clinical testing. Allele origin: germline.
Comment: This sequence change replaces lysine, which is basic and polar, with glutamine, which is neutral and polar, at codon 1794 of the TSC2 protein (p.Lys1794Gln). This variant is not present in population databases (gnomAD no frequency). This variant has not been reported in the literature in individuals affected with TSC2-related conditions. ClinVar contains an entry for this variant (Variation ID: 1973491). Advanced modeling of protein sequence and biophysical properties (such as structural, functional, and spatial information, amino acid conservation, physicochemical variation, residue mobility, and thermodynamic stability) performed at Invitae indicates that this missense variant is not expected to disrupt TSC2 protein function with a negative predictive value of 95%. In summary, the available evidence is currently insufficient to determine the role of this variant in disease. Therefore, it has been classified as a Variant of Uncertain Significance.

NM_000548.5(TSC2):c.5380A>C (p.Lys1794Gln)

Gene: TSC2 (TSC complex subunit 2; plus strand). Cytogenetic location: 16p13.3.
Variant type: single nucleotide variant.
Coding change: c.5380A>C on transcript NM_000548.5 (MANE Select); coding-DNA position 5380, A replaced by C.
Protein change: p.Lys1794Gln; replaces lysine 1794 with glutamine.
Molecular consequence: missense variant.
Genome position (GRCh38, 1-based): chr16:2,088,566, A>C. VCF-style: chr16-2088566-A-C. GRCh37 (hg19) VCF-style: chr16-2138567-A-C.
Other names: c.5179A>C, p.Lys1727Gln (NM_001077183.3); c.5311A>C, p.Lys1771Gln (NM_001114382.3); c.5071A>C, p.Lys1691Gln (NM_001318827.2); c.5035A>C, p.Lys1679Gln (NM_001318829.2); c.4648A>C, p.Lys1550Gln (NM_001318831.2); c.5212A>C, p.Lys1738Gln (NM_001318832.2); c.5182A>C, p.Lys1728Gln (NM_001363528.2); c.5248A>C, p.Lys1750Gln (NM_001370404.1); and 27 more; short protein forms K1323Q, K1570Q, K1679Q, K1691Q, K1722Q, K1723Q, K1734Q, K1768Q.
Identifiers: ClinVar variation 1973491 (VCV001973491.5), dbSNP rs2544518554, ClinGen allele CA394315983.
Genomic context (GRCh38, chr16:2,088,566, plus strand): 5'-AGCAAAGCCCCTGCACAGACTCCAGCCGAGCCCACACCTGGCTATGAGGTGGGCCAGCGG[A>C]AGCGCCTCATCTCCTCGGTGGAGGACTTCACCGAGTTTGTGTGAGGCCGGGGCCCTCCCT-3'
Protein context (NP_000539.2, residues 1784-1804): PTPGYEVGQR[Lys1794Gln]RLISSVEDFT